The following is an entry in ClinVar:

ClinVar aggregate classification (germline): Likely benign (1 of 4 stars; one submission).

Allele frequency attached by ClinVar (database versions not stated): TOPMed 0.00270; 1000 Genomes Project 0.00319; 1000 Genomes Project 30x 0.00359; ExAC 0.00085; gnomAD 0.00225; ESP Exome Variant Server 0.00258.
gnomAD v4.1: 876 of 1,613,340 alleles (0.054%); highest among the groups gnomAD compares: African/African-American, 0.77%; 7 homozygotes.

Submission:

CeGaT Center for Human Genetics Tuebingen
Classification: Likely benign. Last evaluated: 2026-03-01. Review status: criteria provided, single submitter. Criteria: CeGaT Center For Human Genetics Tuebingen Variant Classification Criteria Version 2. Collection method: clinical testing. Allele origin: germline. Affected: yes. Observed: 2 variant alleles.
Comment: MUC5B: BP4, BP7

NM_002458.3(MUC5B):c.5754G>A (p.Ala1918=)

Genes: MUC5B (mucin 5B, oligomeric mucus/gel-forming; plus strand), MUC5B-AS1 (MUC5B antisense RNA 1; minus strand). Cytogenetic location: 11p15.5.
Variant type: single nucleotide variant.
Coding change: c.5754G>A on transcript NM_002458.3 (MANE Select); coding-DNA position 5754, G replaced by A.
Protein change: p.Ala1918=; no amino-acid change (alanine 1918 retained).
Molecular consequence: synonymous variant. On other transcripts: non-coding transcript variant (1).
Genome position (GRCh38, 1-based): chr11:1,242,634, G>A. VCF-style: chr11-1242634-G-A. GRCh37 (hg19) VCF-style: chr11-1263864-G-A.
Identifiers: ClinVar variation 2641210 (VCV002641210.24), dbSNP rs191106798, ClinGen allele CA5805780.